The following is an entry in ClinVar:

ClinVar aggregate classification (germline): Uncertain significance (1 of 4 stars; one submission).

Submission:

GeneDx
Classification: Uncertain significance. Last evaluated: 2019-09-10. Review status: criteria provided, single submitter. Criteria: GeneDx Variant Classification Process June 2021. Collection method: clinical testing. Allele origin: germline. Affected: yes.
Comment: Not observed in large population cohorts (Lek et al., 2016); In silico analysis, which includes protein predictors and evolutionary conservation, supports that this variant does not alter protein structure/function; Has not been previously published as pathogenic or benign to our knowledge

NM_015352.2(POFUT1):c.776C>T (p.Ser259Leu)

Gene: POFUT1 (protein O-fucosyltransferase 1; plus strand). Cytogenetic location: 20q11.21.
Variant type: single nucleotide variant.
Coding change: c.776C>T on transcript NM_015352.2 (MANE Select); coding-DNA position 776, C replaced by T.
Protein change: p.Ser259Leu; replaces serine 259 with leucine.
Molecular consequence: missense variant.
Genome position (GRCh38, 1-based): chr20:32,230,859, C>T. VCF-style: chr20-32230859-C-T. GRCh37 (hg19) VCF-style: chr20-30818662-C-T.
Other names: short protein forms S259L.
Identifiers: ClinVar variation 1312213 (VCV001312213.2), dbSNP rs1569161941, ClinGen allele CA408554713.